The following is an entry in ClinVar:

NM_001563.4(IMPG1):c.1870G>A (p.Glu624Lys)

Gene: IMPG1 (interphotoreceptor matrix proteoglycan 1; minus strand). Cytogenetic location: 6q14.1.
Variant type: single nucleotide variant.
Coding change: c.1870G>A on transcript NM_001563.4 (MANE Select); coding-DNA position 1870, G replaced by A.
Protein change: p.Glu624Lys; replaces glutamic acid 624 with lysine.
Molecular consequence: missense variant.
Genome position (GRCh38, 1-based): chr6:75,947,488, C>T on the plus strand (G>A on the coding strand, the complement: IMPG1 is on the minus strand). VCF-style: chr6-75947488-C-T. GRCh37 (hg19) VCF-style: chr6-76657205-C-T.
Other names: c.1636G>A, p.Glu546Lys (NM_001282368.2); short protein forms E546K, E624K.
Identifiers: ClinVar variation 936946 (VCV000936946.9), dbSNP rs1781948206, ClinGen allele CA364775707.

ClinVar aggregate classification (germline): Uncertain significance (1 of 4 stars; one submission).

Submission:

Labcorp Genetics (formerly Invitae), Labcorp
Classification: Uncertain significance. Last evaluated: 2019-08-12. Review status: criteria provided, single submitter. Criteria: Invitae Variant Classification Sherloc (09022015). Collection method: clinical testing. Allele origin: germline.
Comment: In summary, the available evidence is currently insufficient to determine the role of this variant in disease. Therefore, it has been classified as a Variant of Uncertain Significance. Algorithms developed to predict the effect of missense changes on protein structure and function output the following: SIFT: "Deleterious"; PolyPhen-2: "Possibly Damaging"; Align-GVGD: "Class C55". The lysine amino acid residue is found in multiple mammalian species, suggesting that this missense change does not adversely affect protein function. These predictions have not been confirmed by published functional studies and their clinical significance is uncertain. This variant has not been reported in the literature in individuals with IMPG1-related conditions. This variant is not present in population databases (ExAC no frequency). This sequence change replaces glutamic acid with lysine at codon 624 of the IMPG1 protein (p.Glu624Lys). The glutamic acid residue is highly conserved and there is a small physicochemical difference between glutamic acid and lysine.